The following is an entry in ClinVar:

NM_000038.6(APC):c.135+12G>T

Gene: APC (APC regulator of Wnt signaling pathway; plus strand). Cytogenetic location: 5q22.2.
Variant type: single nucleotide variant.
Coding change: c.135+12G>T on transcript NM_000038.6 (MANE Select); 12 bases into the intron after coding-DNA position 135, G replaced by T.
Molecular consequence: intron variant.
Genome position (GRCh38, 1-based): chr5:112,755,037, G>T. VCF-style: chr5-112755037-G-T. GRCh37 (hg19) VCF-style: chr5-112090734-G-T.
Other names: c.135+12G>T (NM_001354895.2, NM_001127510.3, NM_001354896.2 and 2 more transcripts); c.166-11289G>T (NM_001354897.2, NM_001354902.2, NM_001127511.3); c.61-11289G>T (NM_001354898.2, NM_001354904.2); c.-901+12G>T (NM_001354906.2); c.-42-11289G>T (NM_001354900.2, NM_001354901.2, NM_001354905.2).
Identifiers: ClinVar variation 391675 (VCV000391675.11), dbSNP rs1057524184, ClinGen allele CA16604641.

ClinVar aggregate classification (germline): Likely benign. Review status: criteria provided, multiple submitters, no conflicts (2 of 4 stars). 3 submissions from 3 submitters: Likely benign (3). Last evaluated 2026-01-13.

Conditions:
Hereditary cancer-predisposing syndrome. Also called: Neoplastic Syndromes, Hereditary; Hereditary Cancer Syndrome; Tumor predisposition; Hereditary neoplastic syndrome. Identifiers: Orphanet 140162, MedGen C0027672, MeSH D009386, MONDO:0015356.
Familial adenomatous polyposis 1 (FAP1). Also called: FAMILIAL ADENOMATOUS POLYPOSIS 1, ATTENUATED; POLYPOSIS, ADENOMATOUS INTESTINAL. Identifiers: MedGen C2713442, MONDO:0021056, OMIM 175100. Disease mechanism: loss of function.

Allele frequency attached by ClinVar (database versions not stated): gnomAD exomes below 0.00001.

Submissions (3):

Labcorp Genetics (formerly Invitae), Labcorp
Classification: Likely benign for Familial adenomatous polyposis 1. Last evaluated: 2026-01-13. Review status: criteria provided, single submitter. Criteria: Invitae Variant Classification Sherloc (09022015). Collection method: clinical testing. Allele origin: germline.

Color Diagnostics, LLC DBA Color Health
Classification: Likely benign for Hereditary cancer-predisposing syndrome. Last evaluated: 2018-05-21. Review status: criteria provided, single submitter. Criteria: ACMG Guidelines, 2015. Collection method: clinical testing. Allele origin: germline.

GeneDx
Classification: Likely benign. Last evaluated: 2016-12-08. Review status: criteria provided, single submitter. Criteria: GeneDx Variant Classification (06012015). Collection method: clinical testing. Allele origin: germline. Affected: yes.
Comment: This variant is considered likely benign or benign based on one or more of the following criteria: it is a conservative change, it occurs at a poorly conserved position in the protein, it is predicted to be benign by multiple in silico algorithms, and/or has population frequency not consistent with disease.